The following is an entry in ClinVar:

NM_007294.4(BRCA1):c.441+17T>C

Gene: BRCA1 (BRCA1 DNA repair associated; minus strand). Cytogenetic location: 17q21.31.
Variant type: single nucleotide variant.
Coding change: c.441+17T>C on transcript NM_007294.4 (MANE Select); 17 bases into the intron after coding-DNA position 441, T replaced by C.
Molecular consequence: intron variant.
Genome position (GRCh38, 1-based): chr17:43,104,105, A>G on the plus strand (T>C on the coding strand, the complement: BRCA1 is on the minus strand). VCF-style: chr17-43104105-A-G. GRCh37 (hg19) VCF-style: chr17-41256122-A-G.
Other names: c.300+17T>C (NM_001408458.1, NM_001407931.1, NM_001407747.1 and 99 more transcripts); c.-218-9245T>C (NM_001407967.1, NM_001407966.1); c.60+17T>C (NM_001407959.1, NM_001407962.1, NM_001408512.1 and 4 more transcripts); c.231+17T>C (NM_001407885.1, NM_001407886.1, NM_001407898.1 and 58 more transcripts); c.441+17T>C (NM_001407686.1, NM_001408397.1, NM_001407632.1 and 164 more transcripts); c.309+17T>C (NM_001408451.1); c.363+17T>C (NM_001408475.1, NM_001407875.1, NM_001407659.1 and 21 more transcripts); c.432+17T>C (NM_001408408.1, NM_001407647.1, NM_001407646.1).
Identifiers: ClinVar variation 182089 (VCV000182089.18), dbSNP rs368415464, ClinGen allele CA002832.
Genomic context (GRCh38, chr17:43,104,105, plus strand): 5'-AAGACTCCATCTCAAAAAAAAAAAAGAAAAAAAAAAGAAAAGAAGAAGAAGAAGAAGAAG[A>G]AAACAAATGGTTTTACCAAGGAAGGATTTTCGGGTTCACTCTGTAGAAGTCTTTTGGCAC-3'

ClinVar aggregate classification (germline): Benign/Likely benign. Review status: criteria provided, multiple submitters, no conflicts (2 of 4 stars). 5 submissions from 5 submitters: Benign (2); Likely benign (2). 1 of the submissions does not count toward it. Last evaluated 2026-02-03.

Conditions:
Hereditary breast ovarian cancer syndrome. Also called: Hereditary breast and ovarian cancer syndrome; Hereditary breast and ovarian cancer syndrome (HBOC); BRCA1- and BRCA2-Associated Hereditary Breast and Ovarian Cancer; Breast and ovarian cancer; Hereditary breast and ovarian cancer; Hereditary breast and/or ovarian cancer syndrome. Identifiers: Orphanet 145, MedGen C0677776, MeSH D061325, MONDO:0003582. Disease mechanism: loss of function.
Hereditary cancer-predisposing syndrome. Also called: Hereditary Cancer Syndrome; Hereditary neoplastic syndrome; Tumor predisposition; Neoplastic Syndromes, Hereditary. Identifiers: Orphanet 140162, MedGen C0027672, MeSH D009386, MONDO:0015356.
Breast-ovarian cancer, familial, susceptibility to, 1 (BROVCA1). Also called: OVARIAN CANCER, SUSCEPTIBILITY TO; BRCA1 Hereditary Breast and Ovarian Cancer. Identifiers: Orphanet 145, MedGen C2676676, MONDO:0011450, OMIM 604370. Disease mechanism: loss of function.

Allele frequency attached by ClinVar (database versions not stated): ESP Exome Variant Server 0.00008; 1000 Genomes Project 0.00020; TOPMed 0.00042.

Submissions (5):

Labcorp Genetics (formerly Invitae), Labcorp
Classification: Likely benign for Hereditary breast ovarian cancer syndrome. Last evaluated: 2026-02-03. Review status: criteria provided, single submitter. Criteria: Invitae Variant Classification Sherloc (09022015). Collection method: clinical testing. Allele origin: germline.

Women's Health and Genetics/Laboratory Corporation of America, LabCorp
Classification: Benign. Last evaluated: 2019-12-19. Review status: criteria provided, single submitter. Criteria: LabCorp Variant Classification Summary - May 2015. Collection method: clinical testing. Allele origin: germline.
Comment: Variant summary: BRCA1 c.441+17T>C alters a non-conserved nucleotide located close to a canonical splice site and therefore could affect mRNA splicing, leading to a significantly altered protein sequence. 5/5 computational tools predict no significant impact on normal splicing. However, these predictions have yet to be confirmed by functional studies. The variant was absent in 246020 control chromosomes (gnomAD). The available data on variant occurrences in the general population are insufficient to allow any conclusion about variant significance. c.441+17T>C has not been reported in individuals affected with Hereditary Breast and Ovarian Cancer, however has been reported in one healthy individual, age not specified (Meghani 2016). This report does not provide unequivocal conclusions about association of the variant with Hereditary Breast and Ovarian Cancer. Co-occurrences with other pathogenic variants have been reported in our internal database (BRCA2 c.9253dupA, p.Thr3085fsX26; CHEK2 c.1100delC, p.Thr367fsX15; BRCA1 c.3340G>T, p.Glu1114X), providing supporting evidence for a benign role. To our knowledge, no experimental evidence demonstrating an impact on protein function has been reported. Three ClinVar submitter (evaluation after 2014) cite the variant as likely benign. Based on the evidence outlined above, the variant was classified as benign.

Color Diagnostics, LLC DBA Color Health
Classification: Likely benign for Hereditary cancer-predisposing syndrome. Last evaluated: 2017-04-17. Review status: criteria provided, single submitter. Criteria: ACMG Guidelines, 2015. Collection method: clinical testing. Allele origin: germline.

GeneDx
Classification: Benign. Last evaluated: 2014-08-26. Review status: criteria provided, single submitter. Criteria: GeneDx Variant Classification (06012015). Collection method: clinical testing. Allele origin: germline. Affected: yes.
Comment: This variant is considered likely benign or benign based on one or more of the following criteria: it is a conservative change, it occurs at a poorly conserved position in the protein, it is predicted to be benign by multiple in silico algorithms, and/or has population frequency not consistent with disease.

Counsyl
Classification: Likely benign for Breast-ovarian cancer, familial, susceptibility to, 1. Last evaluated: 2016-07-29. Review status: no assertion criteria provided. Collection method: clinical testing. Allele origin: unknown. Not counted in ClinVar's aggregate classification.

Literature cited by the submitters: PubMed 27818992 (cited by Women's Health and Genetics/Laboratory Corporation of America, LabCorp).